The following is an entry in ClinVar:

NM_001276700.2(NLRP6):c.966G>C (p.Leu322=)

Gene: NLRP6 (NLR family pyrin domain containing 6; plus strand). Cytogenetic location: 11p15.5.
Variant type: single nucleotide variant.
Coding change: c.966G>C on transcript NM_001276700.2 (MANE Select); coding-DNA position 966, G replaced by C.
Protein change: p.Leu322=; no amino-acid change (leucine 322 retained).
Molecular consequence: synonymous variant.
Genome position (GRCh38, 1-based): chr11:280,700, G>C. VCF-style: chr11-280700-G-C. GRCh37 (hg19) VCF-style: chr11-280700-G-C.
Other names: c.966G>C, p.Leu322= (NM_138329.2).
Identifiers: ClinVar variation 103259 (VCV000103259.2), dbSNP rs199475805, ClinGen allele CA230329.

ClinVar aggregate classification (germline): not provided (0 of 4 stars; one submission).

Allele frequency attached by ClinVar (database versions not stated): gnomAD exomes 0.00002; ExAC 0.00003; gnomAD 0.00011; TOPMed 0.00012; 1000 Genomes Project 30x 0.00016.
gnomAD v4.1: 71 of 1,571,898 alleles (0.0045%); highest among the groups gnomAD compares: African/African-American, 0.054%; 1 homozygote.

Submission:

Human Evolutionary Genetics, Institut Pasteur
No classification provided. Review status: no classification provided. Collection method: not provided. Allele origin: germline.
ClinVar note: Converted during submission from untested to not provided.